The following is an entry in ClinVar:

NM_004991.4(MECOM):c.2399A>G (p.Lys800Arg)

Gene: MECOM (MDS1 and EVI1 complex locus; minus strand). Cytogenetic location: 3q26.2.
Variant type: single nucleotide variant.
Coding change: c.2399A>G on transcript NM_004991.4 (MANE Select); coding-DNA position 2399, A replaced by G.
Protein change: p.Lys800Arg; replaces lysine 800 with arginine.
Molecular consequence: missense variant.
Genome position (GRCh38, 1-based): chr3:169,115,473, T>C on the plus strand (A>G on the coding strand, the complement: MECOM is on the minus strand). VCF-style: chr3-169115473-T-C. GRCh37 (hg19) VCF-style: chr3-168833261-T-C.
Other names: c.2399A>G (NM_004991.3); c.1835A>G, p.Lys612Arg (NM_001366471.2, NM_001366472.2, NM_005241.4 and 4 more transcripts); c.1427A>G, p.Lys476Arg (NM_001366473.2); c.863A>G, p.Lys288Arg (NM_001366474.2); c.2030A>G, p.Lys677Arg (NM_001105077.4); c.1838A>G, p.Lys613Arg (NM_001163999.2, NM_001366467.2, NM_001366468.2 and 1 more transcripts); c.2399A>G, p.Lys800Arg (NM_001366466.2); short protein forms K288R, K476R, K612R, K613R, K677R, K800R.
Identifiers: ClinVar variation 2905010 (VCV002905010.4), dbSNP rs144584014, ClinGen allele CA2696187.

ClinVar aggregate classification (germline): Uncertain significance. Review status: criteria provided, multiple submitters, no conflicts (2 of 4 stars). 2 submissions from 2 submitters: Uncertain significance (2). Last evaluated 2024-11-23.

Conditions:
Inborn genetic diseases. Identifiers: MedGen C0950123, MeSH D030342.

Allele frequency attached by ClinVar (database versions not stated): ExAC 0.00003; gnomAD 0.00004; TOPMed 0.00006; ESP Exome Variant Server 0.00008.
gnomAD v4.1: 12 of 1,614,048 alleles (0.00074%); highest among the groups gnomAD compares: African/African-American, 0.012%; no homozygotes.

Submissions (2):

Ambry Genetics
Classification: Uncertain significance for Inborn genetic diseases. Last evaluated: 2024-11-23. Review status: criteria provided, single submitter. Criteria: Ambry Variant Classification Scheme 2023. Collection method: clinical testing. Allele origin: germline.
Comment: The p.K800R variant (also known as c.2399A>G), located in coding exon 8 of the MECOM gene, results from an A to G substitution at nucleotide position 2399. The lysine at codon 800 is replaced by arginine, an amino acid with highly similar properties. This amino acid position is conserved. In addition, this alteration is predicted to be tolerated by in silico analysis. Based on the available evidence, the clinical significance of this variant remains unclear.

Labcorp Genetics (formerly Invitae), Labcorp
Classification: Uncertain significance. Last evaluated: 2023-10-16. Review status: criteria provided, single submitter. Criteria: Invitae Variant Classification Sherloc (09022015). Collection method: clinical testing. Allele origin: germline.
Comment: This sequence change replaces lysine, which is basic and polar, with arginine, which is basic and polar, at codon 612 of the MECOM protein (p.Lys612Arg). This variant is present in population databases (rs144584014, gnomAD 0.02%). This variant has not been reported in the literature in individuals affected with MECOM-related conditions. An algorithm developed to predict the effect of missense changes on protein structure and function (PolyPhen-2) suggests that this variant is likely to be tolerated. In summary, the available evidence is currently insufficient to determine the role of this variant in disease. Therefore, it has been classified as a Variant of Uncertain Significance.